The following is an entry in ClinVar:

ClinVar aggregate classification (germline): Likely pathogenic (1 of 4 stars; one submission).

Submission:

GeneDx
Classification: Likely pathogenic. Last evaluated: 2025-08-09. Review status: criteria provided, single submitter. Criteria: GeneDx Variant Classification Process June 2021. Collection method: clinical testing. Allele origin: germline. Affected: yes.
Comment: Published functional studies suggest this variant results altered subcellular localization, however additional studies are needed to validate the functional effect of this variant and correlate with disease (PMID: 39028335); Not observed at significant frequency in large population cohorts (gnomAD); In silico analysis supports that this missense variant has a deleterious effect on protein structure/function; This variant is associated with the following publications: (PMID: 31088393, 39028335)

NM_001346813.1:c.6212T>A

Gene: ARID1B (AT-rich interaction domain 1B; plus strand).
Variant type: single nucleotide variant.
Other names: c.6212T>A (NM_001346813.1).
Identifiers: ClinVar variation 4755713 (VCV004755713.1).